The following is an entry in ClinVar:

ClinVar aggregate classification (germline): Uncertain significance (1 of 4 stars; one submission).

Conditions:
Autosomal dominant nocturnal frontal lobe epilepsy 5. Also called: CILIARY DYSKINESIA, PRIMARY, 28, WITHOUT SITUS INVERSUS; CILIARY DYSKINESIA, PRIMARY, 28, WITH SITUS INVERSUS; KCNT1-Related Epilepsy; Epilepsy, nocturnal frontal lobe, 5. Identifiers: Orphanet 98784, MedGen C3554306, MONDO:0014002, OMIM 615005.
Developmental and epileptic encephalopathy, 14 (DEE14). Also called: Early infantile epileptic encephalopathy 14. Identifiers: Orphanet 293181, MedGen C3554195, MONDO:0013989, OMIM 614959.

Submission:

Labcorp Genetics (formerly Invitae), Labcorp
Classification: Uncertain significance for Autosomal dominant nocturnal frontal lobe epilepsy 5; Developmental and epileptic encephalopathy, 14. Last evaluated: 2025-12-19. Review status: criteria provided, single submitter. Criteria: Invitae Variant Classification Sherloc (09022015). Collection method: clinical testing. Allele origin: germline.
Comment: This sequence change replaces threonine, which is neutral and polar, with methionine, which is neutral and non-polar, at codon 919 of the KCNT1 protein (p.Thr919Met). This variant is not present in population databases (gnomAD no frequency). This variant has not been reported in the literature in individuals affected with KCNT1-related conditions. Invitae Evidence Modeling of protein sequence and biophysical properties (such as structural, functional, and spatial information, amino acid conservation, physicochemical variation, residue mobility, and thermodynamic stability) has been performed for this missense variant. However, the output from this modeling did not meet the statistical confidence thresholds required to predict the impact of this variant on KCNT1 protein function. In summary, the available evidence is currently insufficient to determine the role of this variant in disease. Therefore, it has been classified as a Variant of Uncertain Significance.

NM_020822.3(KCNT1):c.2756C>T (p.Thr919Met)

Gene: KCNT1 (potassium sodium-activated channel subfamily T member 1; plus strand). Cytogenetic location: 9q34.3.
Variant type: single nucleotide variant.
Coding change: c.2756C>T on transcript NM_020822.3 (MANE Select); coding-DNA position 2756, C replaced by T.
Protein change: p.Thr919Met; replaces threonine 919 with methionine.
Molecular consequence: missense variant.
Genome position (GRCh38, 1-based): chr9:135,779,385, C>T. VCF-style: chr9-135779385-C-T. GRCh37 (hg19) VCF-style: chr9-138671231-C-T.
Other names: c.2621C>T, p.Thr874Met (NM_001272003.2); short protein forms T874M, T919M.
Identifiers: ClinVar variation 4790114 (VCV004790114.1).